The following is an entry in ClinVar:

ClinVar aggregate classification (germline): Uncertain significance (1 of 4 stars; one submission).

gnomAD v4.1: 1 of 1,605,716 alleles (0.000062%); no homozygotes.

Submission:

Labcorp Genetics (formerly Invitae), Labcorp
Classification: Uncertain significance. Last evaluated: 2024-02-20. Review status: criteria provided, single submitter. Criteria: Invitae Variant Classification Sherloc (09022015). Collection method: clinical testing. Allele origin: germline.
Comment: This sequence change falls in intron 15 of the POLE gene. It does not directly change the encoded amino acid sequence of the POLE protein. This variant is not present in population databases (gnomAD no frequency). This variant has not been reported in the literature in individuals affected with POLE-related conditions. Algorithms developed to predict the effect of sequence changes on RNA splicing suggest that this variant may disrupt the consensus splice site. In summary, the available evidence is currently insufficient to determine the role of this variant in disease. Therefore, it has been classified as a Variant of Uncertain Significance.

NM_006231.4(POLE):c.1687-12C>G

Gene: POLE (DNA polymerase epsilon, catalytic subunit; minus strand). Cytogenetic location: 12q24.33.
Variant type: single nucleotide variant.
Coding change: c.1687-12C>G on transcript NM_006231.4 (MANE Select); 12 bases into the intron before coding-DNA position 1687, C replaced by G.
Molecular consequence: intron variant.
Genome position (GRCh38, 1-based): chr12:132,672,334, G>C on the plus strand (C>G on the coding strand, the complement: POLE is on the minus strand). VCF-style: chr12-132672334-G-C. GRCh37 (hg19) VCF-style: chr12-133248920-G-C.
Identifiers: ClinVar variation 3642217 (VCV003642217.2).